The following is an entry in ClinVar:

NM_000059.4(BRCA2):c.4654G>C (p.Gly1552Arg)

Gene: BRCA2 (BRCA2 DNA repair associated; plus strand). Cytogenetic location: 13q13.1.
Variant type: single nucleotide variant.
Coding change: c.4654G>C on transcript NM_000059.4 (MANE Select); coding-DNA position 4654, G replaced by C.
Protein change: p.Gly1552Arg; replaces glycine 1552 with arginine.
Molecular consequence: missense variant.
Genome position (GRCh38, 1-based): chr13:32,339,009, G>C. VCF-style: chr13-32339009-G-C. GRCh37 (hg19) VCF-style: chr13-32913146-G-C.
Other names: short protein forms G1552R.
Identifiers: ClinVar variation 1503412 (VCV001503412.11), dbSNP rs1566230890, ClinGen allele CA387782212.

ClinVar aggregate classification (germline): Conflicting classifications of pathogenicity. Review status: criteria provided, conflicting classifications (1 of 4 stars). 3 submissions from 3 submitters: Uncertain significance (2); Likely benign (1). Last evaluated 2024-03-04.

Conditions:
Hereditary cancer-predisposing syndrome. Also called: Hereditary neoplastic syndrome; Tumor predisposition; Neoplastic Syndromes, Hereditary; Hereditary Cancer Syndrome. Identifiers: Orphanet 140162, MedGen C0027672, MeSH D009386, MONDO:0015356.
Hereditary breast ovarian cancer syndrome. Also called: Hereditary breast and ovarian cancer; Breast and ovarian cancer; BRCA1- and BRCA2-Associated Hereditary Breast and Ovarian Cancer; Hereditary breast and/or ovarian cancer syndrome; Hereditary breast and ovarian cancer syndrome; Hereditary breast and ovarian cancer syndrome (HBOC). Identifiers: Orphanet 145, MedGen C0677776, MeSH D061325, MONDO:0003582. Disease mechanism: loss of function.

Submissions (3):

Labcorp Genetics (formerly Invitae), Labcorp
Classification: Uncertain significance for Hereditary breast ovarian cancer syndrome. Last evaluated: 2024-03-04. Review status: criteria provided, single submitter. Criteria: Invitae Variant Classification Sherloc (09022015). Collection method: clinical testing. Allele origin: germline.
Comment: This sequence change replaces glycine, which is neutral and non-polar, with arginine, which is basic and polar, at codon 1552 of the BRCA2 protein (p.Gly1552Arg). This variant is not present in population databases (gnomAD no frequency). This variant has not been reported in the literature in individuals affected with BRCA2-related conditions. ClinVar contains an entry for this variant (Variation ID: 1503412). Advanced modeling of protein sequence and biophysical properties (such as structural, functional, and spatial information, amino acid conservation, physicochemical variation, residue mobility, and thermodynamic stability) performed at Invitae indicates that this missense variant is not expected to disrupt BRCA2 protein function with a negative predictive value of 95%. In summary, the available evidence is currently insufficient to determine the role of this variant in disease. Therefore, it has been classified as a Variant of Uncertain Significance.

University of Washington Department of Laboratory Medicine, University of Washington
Classification: Likely benign for Hereditary cancer-predisposing syndrome. Last evaluated: 2023-03-23. Review status: criteria provided, single submitter. Criteria: Dines et al. (Genet Med. 2020). Collection method: curation. Allele origin: germline.
Comment: Missense variant in a coldspot region where missense variants are very unlikely to be pathogenic (PMID:31911673).

BRCA2 exon 11 coldspot. Reclassification based on statistical prior probability.

Ambry Genetics
Classification: Uncertain significance for Hereditary cancer-predisposing syndrome. Last evaluated: 2020-10-29. Review status: criteria provided, single submitter. Criteria: Ambry Variant Classification Scheme 2023. Collection method: clinical testing. Allele origin: germline.
Comment: The p.G1552R variant (also known as c.4654G>C), located in coding exon 10 of the BRCA2 gene, results from a G to C substitution at nucleotide position 4654. The glycine at codon 1552 is replaced by arginine, an amino acid with dissimilar properties. This amino acid position is poorly conserved in available vertebrate species. In addition, this alteration is predicted to be tolerated by in silico analysis. Since supporting evidence is limited at this time, the clinical significance of this alteration remains unclear.